The following is an entry in ClinVar:

NC_000014.8:g.(?_68280683)_(68282680_?)del

Gene: ZFYVE26 (zinc finger FYVE-type containing 26; minus strand). Cytogenetic location: 14q24.1.
Variant type: Deletion.
Identifiers: ClinVar variation 1459873 (VCV001459873.5).

ClinVar aggregate classification (germline): Pathogenic (1 of 4 stars; one submission).

Conditions:
Spastic paraplegia. Identifiers: MedGen C0037772, HP:0001258.

Submission:

Labcorp Genetics (formerly Invitae), Labcorp
Classification: Pathogenic for Spastic paraplegia. Last evaluated: 2023-05-30. Review status: criteria provided, single submitter. Criteria: Invitae Variant Classification Sherloc (09022015). Collection method: clinical testing. Allele origin: germline.
Comment: This variant is a gross deletion of the genomic region encompassing exon(s) 2-3 of the ZFYVE26 gene, which includes the initiator codon. This deletion extends beyond the assayed region for this gene and therefore may encompass additional genes. It is expected to result in an absent or disrupted protein product. Loss-of-function variants in ZFYVE26 are known to be pathogenic (PMID: 18394578, 19805727). For these reasons, this variant has been classified as Pathogenic. This variant has not been reported in the literature in individuals affected with ZFYVE26-related conditions.

Literature cited by the submitters: PubMed 18394578; PubMed 19805727.